The following is an entry in ClinVar:

NM_014391.3(ANKRD1):c.346-19_346-15delinsA

Gene: ANKRD1 (ankyrin repeat domain 1; minus strand). Cytogenetic location: 10q23.31.
Variant type: Indel.
Coding change: c.346-19_346-15delinsA on transcript NM_014391.3 (MANE Select); 19 bases into the intron before coding-DNA position 346 through 15 bases into the intron before coding-DNA position 346, TTATT replaced by A.
Molecular consequence: intron variant.
Genome position (GRCh38, 1-based): chr10:90,918,987-90,918,991, AATAA replaced by T on the plus strand (TTATT replaced by A on the coding strand, the reverse complement: ANKRD1 is on the minus strand). VCF-style: chr10-90918987-AATAA-T. GRCh37 (hg19) VCF-style: chr10-92678744-AATAA-T.
Identifiers: ClinVar variation 2637637 (VCV002637637.1), dbSNP rs2492960517, ClinGen allele CA2695201010.
Genomic context (GRCh38, chr10:90,918,987, plus strand): 5'-TCTCCAGAGCAGCCTTCAGAAACGTAGGCACATCCACAGGTTCCGTCTAAAGCCAAAATA[AATAA>T]ATATATATATATATATATATATATAGCATGAGAGTTACCGTGAGCTTGCCAGCATTCAAT-3'

ClinVar aggregate classification (germline): Likely benign (1 of 4 stars; one submission).

Submission:

Women's Health and Genetics/Laboratory Corporation of America, LabCorp
Classification: Likely benign. Last evaluated: 2023-10-09. Review status: criteria provided, single submitter. Criteria: LabCorp Variant Classification Summary - May 2015. Collection method: clinical testing. Allele origin: germline.
Comment: Variant summary: ANKRD1 c.346-19_346-15delinsA alters a conserved nucleotide located at a position not widely known to affect splicing. This variant is located in a highly variable region where numerous deletions and duplications are present in gnomad, many of them at a high frequency. This suggests the region is highly tolerant to variation. To our knowledge, no occurrence of c.346-19_346-15delinsA in individuals affected with Cardiomyopathy and no experimental evidence demonstrating its impact on protein function have been reported. No submitters have cited clinical-significance assessments for this variant to ClinVar after 2014. Based on the evidence outlined above, the variant was classified as likely benign.